The following is an entry in ClinVar:

NM_001349206.2(LPIN1):c.2151del (p.Thr718fs)

Gene: LPIN1 (lipin 1; plus strand). Cytogenetic location: 2p25.1.
Variant type: Deletion.
Coding change: c.2151del on transcript NM_001349206.2 (MANE Select); coding-DNA position 2151, one base deleted (G; older notation c.2151delG).
Protein change: p.Thr718fs; shifts the reading frame from threonine 718.
Molecular consequence: frameshift variant. On other transcripts: non-coding transcript variant (1).
Genome position (GRCh38, 1-based): chr2:11,804,560, G deleted; the last of 3 consecutive G bases (chr2:11,804,558-11,804,560); deleting any one gives the same sequence. VCF-style (leftmost placement, unchanged base first): chr2-11804557-TG-T. GRCh37 (hg19) VCF-style: chr2-11944683-TG-T.
Other names: c.2061del, p.Thr688fs (NM_001261427.3); c.2298del, p.Thr767fs (NM_001261428.3); c.2043del, p.Thr682fs (NM_001349199.2, NM_145693.4); c.2121del, p.Thr708fs (NM_001349200.2, NM_001349201.2); c.2148del, p.Thr717fs (NM_001349202.2, NM_001349203.2); c.2151del, p.Thr718fs (NM_001349204.2, NM_001349205.2); c.2241del, p.Thr748fs (NM_001349207.2); c.2190del, p.Thr731fs (NM_001349208.2); short protein forms T682fs, T708fs, T718fs, T731fs, T688fs, T748fs, T717fs, T767fs.
Identifiers: ClinVar variation 1970429 (VCV001970429.5), dbSNP rs2546212098, ClinGen allele CA531017450.

ClinVar aggregate classification (germline): Pathogenic (1 of 4 stars; one submission).

Submission:

Labcorp Genetics (formerly Invitae), Labcorp
Classification: Pathogenic. Last evaluated: 2022-12-04. Review status: criteria provided, single submitter. Criteria: Invitae Variant Classification Sherloc (09022015). Collection method: clinical testing. Allele origin: germline.
Comment: For these reasons, this variant has been classified as Pathogenic. This variant has not been reported in the literature in individuals affected with LPIN1-related conditions. This variant is present in population databases (no rsID available, gnomAD 0.0009%). This sequence change creates a premature translational stop signal (p.Thr682Glnfs*31) in the LPIN1 gene. It is expected to result in an absent or disrupted protein product. Loss-of-function variants in LPIN1 are known to be pathogenic (PMID: 18817903, 20583302, 22481384, 26111941).

Literature cited by the submitters: PubMed 18817903; PubMed 20583302; PubMed 22481384; PubMed 26111941.